The following is an entry in ClinVar:

ClinVar aggregate classification (germline): Uncertain significance (1 of 4 stars; one submission).

Conditions:
Immunodeficiency. Identifiers: MedGen C0021051, MONDO:0021094, HP:0002721.

Allele frequency attached by ClinVar (database versions not stated): gnomAD exomes below 0.00001.
gnomAD v4.1: 1 of 1,527,740 alleles (0.000065%); highest among the groups gnomAD compares: South Asian, 0.0012%; no homozygotes.

Submission:

Labcorp Genetics (formerly Invitae), Labcorp
Classification: Uncertain significance for Immunodeficiency. Last evaluated: 2019-12-12. Review status: criteria provided, single submitter. Criteria: Invitae Variant Classification Sherloc (09022015). Collection method: clinical testing. Allele origin: germline.
Comment: In summary, the available evidence is currently insufficient to determine the role of this variant in disease. Therefore, it has been classified as a Variant of Uncertain Significance. Nucleotide substitutions within the consensus splice site are a relatively common cause of aberrant splicing (PMID: 17576681, 9536098). Algorithms developed to predict the effect of sequence changes on RNA splicing suggest that this variant is not likely to affect RNA splicing, but this prediction has not been confirmed by published transcriptional studies. This variant has not been reported in the literature in individuals with NFAT5-related conditions. This variant is not present in population databases (ExAC no frequency). This sequence change falls in intron 10 of the NFAT5 gene. It does not directly change the encoded amino acid sequence of the NFAT5 protein, but it affects a nucleotide within the consensus splice site of the intron.

Literature cited by the submitters: PubMed 17576681; PubMed 9536098.

NM_138713.4(NFAT5):c.1557+5A>T

Gene: NFAT5 (nuclear factor of activated T cells 5; plus strand). Cytogenetic location: 16q22.1.
Variant type: single nucleotide variant.
Coding change: c.1557+5A>T on transcript NM_138713.4 (MANE Select); 5 bases into the intron after coding-DNA position 1557, A replaced by T.
Molecular consequence: intron variant.
Genome position (GRCh38, 1-based): chr16:69,670,293, A>T. VCF-style: chr16-69670293-A-T. GRCh37 (hg19) VCF-style: chr16-69704196-A-T.
Other names: c.1275+5A>T (NM_138714.4, NM_173214.3, NM_173215.3); c.1557+5A>T (NM_001113178.3); c.1503+5A>T (NM_006599.4); c.885+5A>T (NM_001367709.1).
Identifiers: ClinVar variation 863081 (VCV000863081.10), dbSNP rs2036573840, ClinGen allele CA916083498.
Genomic context (GRCh38, chr16:69,670,293, plus strand): 5'-CAGATGAAAACTCTTGGAAGTCAGAAGCTGAAATTGATATGGAACTATTTCATCAGGTAA[A>T]ATTTAAGCTTTTTTTATAATTTGGTTATTTACTCTCTGAGCAATTCAGTTTTGTTTTGAA-3'